The following is an entry in ClinVar:

NM_020433.5(JPH2):c.1677G>C (p.Glu559Asp)

Gene: JPH2 (junctophilin 2; minus strand). Cytogenetic location: 20q13.12.
Variant type: single nucleotide variant.
Coding change: c.1677G>C on transcript NM_020433.5 (MANE Select); coding-DNA position 1677, G replaced by C.
Protein change: p.Glu559Asp; replaces glutamic acid 559 with aspartic acid.
Molecular consequence: missense variant.
Genome position (GRCh38, 1-based): chr20:44,115,998, C>G on the plus strand (G>C on the coding strand, the complement: JPH2 is on the minus strand). VCF-style: chr20-44115998-C-G. GRCh37 (hg19) VCF-style: chr20-42744638-C-G.
Other names: short protein forms E559D.
Identifiers: ClinVar variation 3227380 (VCV003227380.1), dbSNP rs758352249, ClinGen allele CA409100154.
Genomic context (GRCh38, chr20:44,115,998, plus strand): 5'-TGGGGGCTCGGGCGGCGTGGTGCGCACAGCATAGCTGTGGTAGCCCTGGTAAAGCGCCAC[C>G]TCCGGCTCCCGCGACGGCGCAGGCGGTGCCTGCAGAGCCTCGATGGCCATGCGCTCGGTG-3'
Protein context (NP_065166.2, residues 549-569): QAPPAPSREP[Glu559Asp]VALYQGYHSY

ClinVar aggregate classification (germline): Uncertain significance (1 of 4 stars; one submission).

Conditions:
Cardiovascular phenotype. Identifiers: MedGen CN230736.

Submission:

Ambry Genetics
Classification: Uncertain significance for Cardiovascular phenotype. Last evaluated: 2023-10-12. Review status: criteria provided, single submitter. Criteria: Ambry Variant Classification Scheme 2023. Collection method: clinical testing. Allele origin: germline.
Comment: The p.E559D variant (also known as c.1677G>C), located in coding exon 4 of the JPH2 gene, results from a G to C substitution at nucleotide position 1677. The glutamic acid at codon 559 is replaced by aspartic acid, an amino acid with highly similar properties. This amino acid position is conserved. In addition, this alteration is predicted to be tolerated by in silico analysis. Since supporting evidence is limited at this time, the clinical significance of this alteration remains unclear.